The following is an entry in ClinVar:

NM_005228.5(EGFR):c.946T>A (p.Tyr316Asn)

Gene: EGFR (epidermal growth factor receptor; plus strand). Cytogenetic location: 7p11.2.
Variant type: single nucleotide variant.
Coding change: c.946T>A on transcript NM_005228.5 (MANE Select); coding-DNA position 946, T replaced by A.
Protein change: p.Tyr316Asn; replaces tyrosine 316 with asparagine.
Molecular consequence: missense variant.
Genome position (GRCh38, 1-based): chr7:55,155,886, T>A. VCF-style: chr7-55155886-T-A. GRCh37 (hg19) VCF-style: chr7-55223579-T-A.
Other names: c.811T>A, p.Tyr271Asn (NM_001346897.2, NM_001346899.2); c.946T>A, p.Tyr316Asn (NM_001346898.2, NM_201282.2, NM_201283.2 and 1 more transcripts); c.787T>A, p.Tyr263Asn (NM_001346900.2); c.145T>A, p.Tyr49Asn (NM_001346941.2); short protein forms Y263N, Y271N, Y316N, Y49N.
Identifiers: ClinVar variation 1018424 (VCV001018424.8), dbSNP rs1785387064, ClinGen allele CA367578034.

ClinVar aggregate classification (germline): Uncertain significance (1 of 4 stars; one submission).

Conditions:
EGFR-related lung cancer (EGFR). Identifiers: MedGen CN130014.

Submission:

Labcorp Genetics (formerly Invitae), Labcorp
Classification: Uncertain significance for EGFR-related lung cancer. Last evaluated: 2020-09-09. Review status: criteria provided, single submitter. Criteria: Invitae Variant Classification Sherloc (09022015). Collection method: clinical testing. Allele origin: germline.
Comment: In summary, the available evidence is currently insufficient to determine the role of this variant in disease. Therefore, it has been classified as a Variant of Uncertain Significance. Algorithms developed to predict the effect of missense changes on protein structure and function (SIFT, PolyPhen-2, Align-GVGD) all suggest that this variant is likely to be tolerated, but these predictions have not been confirmed by published functional studies and their clinical significance is uncertain. This variant has not been reported in the literature in individuals with EGFR-related conditions. This variant is not present in population databases (ExAC no frequency). This sequence change replaces tyrosine with asparagine at codon 316 of the EGFR protein (p.Tyr316Asn). The tyrosine residue is moderately conserved and there is a large physicochemical difference between tyrosine and asparagine.